The following is an entry in ClinVar:

NM_016616.5(NME8):c.479T>C (p.Ile160Thr)

Gene: NME8 (NME/NM23 family member 8; plus strand). Cytogenetic location: 7p14.1.
Variant type: single nucleotide variant.
Coding change: c.479T>C on transcript NM_016616.5 (MANE Select); coding-DNA position 479, T replaced by C.
Protein change: p.Ile160Thr; replaces isoleucine 160 with threonine.
Molecular consequence: missense variant.
Genome position (GRCh38, 1-based): chr7:37,864,372, T>C. VCF-style: chr7-37864372-T-C. GRCh37 (hg19) VCF-style: chr7-37903974-T-C.
Other names: c.479T>C (NM_016616.4); short protein forms I160T.
Identifiers: ClinVar variation 2917164 (VCV002917164.5), dbSNP rs764429331, ClinGen allele CA4222225.
Genomic context (GRCh38, chr7:37,864,372, plus strand): 5'-AAATGAAATTCTGTCTTTTTCTAAATTTTTTTCCAGAGGAATTATACAGTATTGCTATTA[T>C]CAAACCGGATGCTGTGATTAGTAAAAAAGTTCTAGAAATTAAAAGAAAAGTAAGTAATAT-3'
Protein context (NP_057700.3, residues 150-170): SVQELYSIAI[Ile160Thr]KPDAVISKKV

ClinVar aggregate classification (germline): Uncertain significance. Review status: criteria provided, multiple submitters, no conflicts (2 of 4 stars). 3 submissions from 3 submitters: Uncertain significance (3). Last evaluated 2024-08-25.

Conditions:
Primary ciliary dyskinesia 6. Also called: Primary Ciliary Dyskinesia 6: TXNDC3-Related Primary Ciliary Dyskinesia. Identifiers: Orphanet 244, MedGen C1970506, MONDO:0012571, OMIM 610852.
Primary ciliary dyskinesia. Also called: Ciliary dyskinesia. Identifiers: Orphanet 244, MedGen C0008780, MONDO:0016575, HP:0012265.

Allele frequency attached by ClinVar (database versions not stated): gnomAD 0.00002; gnomAD exomes 0.00003; TOPMed 0.00004; ExAC 0.00010.

Submissions (3):

Ambry Genetics
Classification: Uncertain significance for Primary ciliary dyskinesia. Last evaluated: 2024-08-25. Review status: criteria provided, single submitter. Criteria: Ambry Variant Classification Scheme 2023. Collection method: clinical testing. Allele origin: germline.
Comment: The p.I160T variant (also known as c.479T>C), located in coding exon 7 of the NME8 gene, results from a T to C substitution at nucleotide position 479. The isoleucine at codon 160 is replaced by threonine, an amino acid with similar properties. This amino acid position is conserved. In addition, the in silico prediction for this alteration is inconclusive. Based on the available evidence, the clinical significance of this variant remains unclear.

Labcorp Genetics (formerly Invitae), Labcorp
Classification: Uncertain significance for Primary ciliary dyskinesia 6. Last evaluated: 2024-05-29. Review status: criteria provided, single submitter. Criteria: Invitae Variant Classification Sherloc (09022015). Collection method: clinical testing. Allele origin: germline.
Comment: This sequence change replaces isoleucine, which is neutral and non-polar, with threonine, which is neutral and polar, at codon 160 of the NME8 protein (p.Ile160Thr). This variant is present in population databases (rs764429331, gnomAD 0.03%). This variant has not been reported in the literature in individuals affected with NME8-related conditions. Advanced modeling of protein sequence and biophysical properties (such as structural, functional, and spatial information, amino acid conservation, physicochemical variation, residue mobility, and thermodynamic stability) has been performed at Invitae for this missense variant, however the output from this modeling did not meet the statistical confidence thresholds required to predict the impact of this variant on NME8 protein function. In summary, the available evidence is currently insufficient to determine the role of this variant in disease. Therefore, it has been classified as a Variant of Uncertain Significance.

Fulgent Genetics
Classification: Uncertain significance for Primary ciliary dyskinesia 6. Last evaluated: 2023-12-29. Review status: criteria provided, single submitter. Criteria: ACMG Guidelines, 2015. Collection method: clinical testing. Allele origin: germline.